The following is an entry in ClinVar:

NM_000075.4(CDK4):c.647G>A (p.Gly216Glu)

Genes: CDK4 (cyclin dependent kinase 4; minus strand), TSPAN31 (tetraspanin 31; plus strand). Cytogenetic location: 12q14.1.
Variant type: single nucleotide variant.
Coding change: c.647G>A on transcript NM_000075.4 (MANE Select); coding-DNA position 647, G replaced by A.
Protein change: p.Gly216Glu; replaces glycine 216 with glutamic acid.
Molecular consequence: missense variant. On other transcripts: 3 prime UTR variant (3).
Genome position (GRCh38, 1-based): chr12:57,749,490, C>T on the plus strand (G>A on the coding strand, the complement: CDK4 is on the minus strand). VCF-style: chr12-57749490-C-T. GRCh37 (hg19) VCF-style: chr12-58143273-C-T.
Other names: c.*2200C>T (NM_001330168.2, NM_001330169.2, NM_005981.5); short protein forms G216E.
Identifiers: ClinVar variation 1371732 (VCV001371732.6), dbSNP rs1955206366, ClinGen allele CA385544185.
Genomic context (GRCh38, chr12:57,749,490, plus strand): 5'-TTTTCTCCCATGTTGGTCACTTACTCAAAGATTTTGCCCAACTGGTCGGCTTCAGAGTTT[C>T]CACAGAAGAGAGGCCTAAGGTGAGAAGGGATATAAGGTAGCAGTCATTTTCAAAGATATC-3'
Protein context (NP_000066.1, residues 206-226): EMFRRKPLFC[Gly216Glu]NSEADQLGKI

ClinVar aggregate classification (germline): Uncertain significance (1 of 4 stars; one submission).

Conditions:
Familial melanoma. Also called: Hereditary melanoma; Hereditary cutaneous melanoma. Identifiers: Orphanet 618, MedGen C1512419, MONDO:0018961.

Allele frequency attached by ClinVar (database versions not stated): gnomAD exomes below 0.00001.
gnomAD v4.1: 1 of 1,614,152 alleles (0.000062%); highest among the groups gnomAD compares: Non-Finnish European, 0.000085%; no homozygotes.

Submission:

Labcorp Genetics (formerly Invitae), Labcorp
Classification: Uncertain significance for Familial melanoma. Last evaluated: 2024-01-05. Review status: criteria provided, single submitter. Criteria: Invitae Variant Classification Sherloc (09022015). Collection method: clinical testing. Allele origin: germline.
Comment: This sequence change replaces glycine, which is neutral and non-polar, with glutamic acid, which is acidic and polar, at codon 216 of the CDK4 protein (p.Gly216Glu). This variant is not present in population databases (gnomAD no frequency). This variant has not been reported in the literature in individuals affected with CDK4-related conditions. ClinVar contains an entry for this variant (Variation ID: 1371732). Advanced modeling of protein sequence and biophysical properties (such as structural, functional, and spatial information, amino acid conservation, physicochemical variation, residue mobility, and thermodynamic stability) performed at Invitae indicates that this missense variant is expected to disrupt CDK4 protein function with a positive predictive value of 95%. In summary, the available evidence is currently insufficient to determine the role of this variant in disease. Therefore, it has been classified as a Variant of Uncertain Significance.